The following is an entry in ClinVar:

ClinVar aggregate classification (germline): Uncertain significance. Review status: criteria provided, multiple submitters, no conflicts (2 of 4 stars). 2 submissions from 2 submitters: Uncertain significance (2). Last evaluated 2023-07-24.

Allele frequency attached by ClinVar (database versions not stated): gnomAD exomes below 0.00001; gnomAD 0.00001.
gnomAD v4.1: 8 of 1,613,990 alleles (0.0005%); highest among the groups gnomAD compares: African/African-American, 0.0067%; no homozygotes.

Submissions (2):

Blueprint Genetics
Classification: Uncertain significance. Last evaluated: 2023-07-24. Review status: criteria provided, single submitter. Criteria: ACMG Guidelines, 2015. Collection method: clinical testing. Allele origin: germline.

Labcorp Genetics (formerly Invitae), Labcorp
Classification: Uncertain significance. Last evaluated: 2022-06-13. Review status: criteria provided, single submitter. Criteria: Invitae Variant Classification Sherloc (09022015). Collection method: clinical testing. Allele origin: germline.
Comment: This variant is present in population databases (no rsID available, gnomAD 0.004%). In summary, the available evidence is currently insufficient to determine the role of this variant in disease. Therefore, it has been classified as a Variant of Uncertain Significance. Algorithms developed to predict the effect of missense changes on protein structure and function are either unavailable or do not agree on the potential impact of this missense change (SIFT: "Tolerated"; PolyPhen-2: "Probably Damaging"; Align-GVGD: "Class C0"). This variant has not been reported in the literature in individuals affected with IL6R-related conditions. This sequence change replaces glycine, which is neutral and non-polar, with arginine, which is basic and polar, at codon 199 of the IL6R protein (p.Gly199Arg).

NM_000565.4(IL6R):c.595G>A (p.Gly199Arg)

Gene: IL6R (interleukin 6 receptor; plus strand). Cytogenetic location: 1q21.3.
Variant type: single nucleotide variant.
Coding change: c.595G>A on transcript NM_000565.4 (MANE Select); coding-DNA position 595, G replaced by A.
Protein change: p.Gly199Arg; replaces glycine 199 with arginine.
Molecular consequence: missense variant.
Genome position (GRCh38, 1-based): chr1:154,434,655, G>A. VCF-style: chr1-154434655-G-A. GRCh37 (hg19) VCF-style: chr1-154407131-G-A.
Other names: c.595G>A, p.Gly199Arg (NM_001206866.2, NM_001382769.1, NM_001382770.1 and 4 more transcripts); c.235G>A, p.Gly79Arg (NM_001382774.1); short protein forms G199R, G79R.
Identifiers: ClinVar variation 1415603 (VCV001415603.9), dbSNP rs982263084, ClinGen allele CA30798626.
Genomic context (GRCh38, chr1:154,434,655, plus strand): 5'-GCAGTCCCGGAGGGAGACAGCTCTTTCTACATAGTGTCCATGTGCGTCGCCAGTAGTGTC[G>A]GGAGCAAGTTCAGCAAAACTCAAACCTTTCAGGGTTGTGGAATCTGTACGTAAGCTCTAA-3'
Protein context (NP_000556.1, residues 189-209): IVSMCVASSV[Gly199Arg]SKFSKTQTFQ